The following is an entry in ClinVar:

NM_003721.4(RFXANK):c.706C>T (p.Arg236Trp)

Gene: RFXANK (regulatory factor X associated ankyrin containing protein; plus strand). Cytogenetic location: 19p13.11.
Variant type: single nucleotide variant.
Coding change: c.706C>T on transcript NM_003721.4 (MANE Select); coding-DNA position 706, C replaced by T.
Protein change: p.Arg236Trp; replaces arginine 236 with tryptophan.
Molecular consequence: missense variant.
Genome position (GRCh38, 1-based): chr19:19,199,228, C>T. VCF-style: chr19-19199228-C-T. GRCh37 (hg19) VCF-style: chr19-19310037-C-T.
Other names: c.640C>T, p.Arg214Trp (NM_001278727.2, NM_001370234.1); c.637C>T, p.Arg213Trp (NM_001278728.2, NM_134440.3); c.706C>T, p.Arg236Trp (NM_001370233.1, NM_001370238.1); c.703C>T, p.Arg235Trp (NM_001370235.1, NM_001370236.1, NM_001370237.1); short protein forms R236W, R213W, R214W, R235W.
Identifiers: ClinVar variation 81031 (VCV000081031.13), dbSNP rs143964319, ClinGen allele CA9322896.

ClinVar aggregate classification (germline): Uncertain significance. Review status: criteria provided, multiple submitters, no conflicts (2 of 4 stars). 4 submissions from 4 submitters: Uncertain significance (4). Last evaluated 2025-04-11.

Conditions:
Inborn genetic diseases. Identifiers: MedGen C0950123, MeSH D030342.
MHC class II deficiency. Also called: Bare lymphocyte syndrome 2; BLS, TYPE II. Identifiers: Orphanet 572, MedGen C5447452, MONDO:0008855.

Allele frequency attached by ClinVar (database versions not stated): ExAC 0.00012; ESP Exome Variant Server 0.00008; TOPMed 0.00023; gnomAD exomes 0.00011; 1000 Genomes Project 30x 0.00109; gnomAD 0.00052 and 0.00053; 1000 Genomes Project 0.00100.
gnomAD v4.1: 180 of 1,614,114 alleles (0.011%); highest among the groups gnomAD compares: Admixed American, 0.16%; no homozygotes.

Submissions (4):

Ambry Genetics
Classification: Uncertain significance for Inborn genetic diseases. Last evaluated: 2025-04-11. Review status: criteria provided, single submitter. Criteria: Ambry Variant Classification Scheme 2023. Collection method: clinical testing. Allele origin: germline.

Labcorp Genetics (formerly Invitae), Labcorp
Classification: Uncertain significance for MHC class II deficiency. Last evaluated: 2024-12-26. Review status: criteria provided, single submitter. Criteria: Invitae Variant Classification Sherloc (09022015). Collection method: clinical testing. Allele origin: germline.
Comment: This sequence change replaces arginine, which is basic and polar, with tryptophan, which is neutral and slightly polar, at codon 236 of the RFXANK protein (p.Arg236Trp). This variant is present in population databases (rs143964319, gnomAD 0.04%). This variant has not been reported in the literature in individuals affected with RFXANK-related conditions. ClinVar contains an entry for this variant (Variation ID: 81031). Invitae Evidence Modeling of protein sequence and biophysical properties (such as structural, functional, and spatial information, amino acid conservation, physicochemical variation, residue mobility, and thermodynamic stability) indicates that this missense variant is not expected to disrupt RFXANK protein function with a negative predictive value of 80%. In summary, the available evidence is currently insufficient to determine the role of this variant in disease. Therefore, it has been classified as a Variant of Uncertain Significance.

New York Genome Center
Classification: Uncertain significance for MHC class II deficiency 1. Last evaluated: 2021-07-30. Review status: criteria provided, single submitter. Criteria: NYGC Assertion Criteria 2020. Collection method: clinical testing. Allele origin: inherited, germline. Observed: 2 heterozygotes. Clinical features observed: Global developmental delay (HP:0001263), Eczematoid dermatitis (HP:0000964), Failure to thrive (HP:0001508), Primary dilated cardiomyopathy (HP:0001644), Recurrent infections (HP:0002719), Chronic diarrhea (HP:0002028), Anemia (HP:0001903). Study: CSER-NYCKidSeq.

Breakthrough Genomics
Classification: Uncertain significance. Review status: criteria provided, single submitter. Criteria: ACMG Guidelines, 2015. Collection method: not provided. Allele origin: germline. Inheritance: Autosomal dominant inheritance. Affected: yes.